The following is an entry in ClinVar:

NM_005751.5(AKAP9):c.7011T>A (p.Asp2337Glu)

Gene: AKAP9 (A-kinase anchoring protein 9; plus strand). Cytogenetic location: 7q21.2.
Variant type: single nucleotide variant.
Coding change: c.7011T>A on transcript NM_005751.5 (MANE Select); coding-DNA position 7011, T replaced by A.
Protein change: p.Asp2337Glu; replaces aspartic acid 2337 with glutamic acid.
Molecular consequence: missense variant.
Genome position (GRCh38, 1-based): chr7:92,079,144, T>A. VCF-style: chr7-92079144-T-A. GRCh37 (hg19) VCF-style: chr7-91708458-T-A.
Other names: c.1656T>A, p.Asp552Glu (NM_001379277.1); c.6987T>A, p.Asp2329Glu (NM_147185.3); short protein forms D552E, D2329E, D2337E.
Identifiers: ClinVar variation 4826444 (VCV004826444.1).

ClinVar aggregate classification (germline): Uncertain significance (1 of 4 stars; one submission).

Conditions:
Cardiovascular phenotype. Identifiers: MedGen CN230736.

Submission:

Ambry Genetics
Classification: Uncertain significance for Cardiovascular phenotype. Last evaluated: 2026-03-11. Review status: criteria provided, single submitter. Criteria: Ambry Variant Classification Scheme 2023. Collection method: clinical testing. Allele origin: germline.
Comment: The p.D2337E variant (also known as c.7011T>A), located in coding exon 31 of the AKAP9 gene, results from a T to A substitution at nucleotide position 7011. The aspartic acid at codon 2337 is replaced by glutamic acid, an amino acid with highly similar properties. This amino acid position is conserved. In addition, this alteration is predicted to be tolerated by in silico analysis. Based on the available evidence, the clinical significance of this variant remains unclear.